The following is an entry in ClinVar:

ClinVar aggregate classification (germline): Uncertain significance (1 of 4 stars; one submission).

Conditions:
Neutral lipid storage myopathy (NLSDM). Also called: NEUTRAL LIPID STORAGE DISEASE WITHOUT ICHTHYOSIS. Identifiers: Orphanet 98908, MedGen C1853136, MONDO:0012545, OMIM 610717.

Allele frequency attached by ClinVar (database versions not stated): TOPMed 0.00002.
gnomAD v4.1: 118 of 1,534,516 alleles (0.0077%); highest among the groups gnomAD compares: Non-Finnish European, 0.01%; no homozygotes.

Submission:

Labcorp Genetics (formerly Invitae), Labcorp
Classification: Uncertain significance for Neutral lipid storage myopathy. Last evaluated: 2023-07-12. Review status: criteria provided, single submitter. Criteria: Invitae Variant Classification Sherloc (09022015). Collection method: clinical testing. Allele origin: germline.
Comment: In summary, the available evidence is currently insufficient to determine the role of this variant in disease. Therefore, it has been classified as a Variant of Uncertain Significance. Algorithms developed to predict the effect of missense changes on protein structure and function output the following: SIFT: "Not Available"; PolyPhen-2: "Benign"; Align-GVGD: "Not Available". The glycine amino acid residue is found in multiple mammalian species, which suggests that this missense change does not adversely affect protein function. ClinVar contains an entry for this variant (Variation ID: 998830). This variant has not been reported in the literature in individuals affected with PNPLA2-related conditions. This variant is present in population databases (no rsID available, gnomAD 0.004%). This sequence change replaces arginine, which is basic and polar, with glycine, which is neutral and non-polar, at codon 496 of the PNPLA2 protein (p.Arg496Gly).

NM_020376.4(PNPLA2):c.1486C>G (p.Arg496Gly)

Gene: PNPLA2 (patatin like domain 2, triacylglycerol lipase; plus strand). Cytogenetic location: 11p15.5.
Variant type: single nucleotide variant.
Coding change: c.1486C>G on transcript NM_020376.4 (MANE Select); coding-DNA position 1486, C replaced by G.
Protein change: p.Arg496Gly; replaces arginine 496 with glycine.
Molecular consequence: missense variant.
Genome position (GRCh38, 1-based): chr11:824,833, C>G. VCF-style: chr11-824833-C-G. GRCh37 (hg19) VCF-style: chr11-824833-C-G.
Other names: short protein forms R496G.
Identifiers: ClinVar variation 998830 (VCV000998830.6), dbSNP rs767707536, ClinGen allele CA216972512.
Genomic context (GRCh38, chr11:824,833, plus strand): 5'-TCCCCGCAGCACCAGCTGGCCGGGCCTGCCCCCTTGCTGAGCACCCCTGCTCCCGAGGCC[C>G]GGCCCGTGATCGGGGCCCTGGGGCTGTGAGACCCCGACCCTCTCGAGGAACCCTGCCTGA-3'
Protein context (NP_065109.1, residues 486-504): PLLSTPAPEA[Arg496Gly]PVIGALGL